The following is an entry in ClinVar:

ClinVar aggregate classification (germline): Uncertain significance. Review status: criteria provided, multiple submitters, no conflicts (2 of 4 stars). 2 submissions from 2 submitters: Uncertain significance (2). Last evaluated 2025-12-22.

Conditions:
Autosomal recessive severe congenital neutropenia due to CSF3R deficiency. Also called: Neutropenia, severe congenital, 7, autosomal recessive. Identifiers: Orphanet 420702, MedGen C4310764, MONDO:0014865, OMIM 617014.

Allele frequency attached by ClinVar (database versions not stated): gnomAD exomes below 0.00001.
gnomAD v4.1: 1 of 1,614,230 alleles (0.000062%); highest among the groups gnomAD compares: South Asian, 0.0011%; no homozygotes.

Submissions (2):

Labcorp Genetics (formerly Invitae), Labcorp
Classification: Uncertain significance for Autosomal recessive severe congenital neutropenia due to CSF3R deficiency. Last evaluated: 2025-12-22. Review status: criteria provided, single submitter. Criteria: Invitae Variant Classification Sherloc (09022015). Collection method: clinical testing. Allele origin: germline.
Comment: This sequence change replaces valine, which is neutral and non-polar, with isoleucine, which is neutral and non-polar, at codon 662 of the CSF3R protein (p.Val662Ile). This variant is not present in population databases (gnomAD no frequency). This variant has not been reported in the literature in individuals affected with CSF3R-related conditions. ClinVar contains an entry for this variant (Variation ID: 493033). Invitae Evidence Modeling of protein sequence and biophysical properties (such as structural, functional, and spatial information, amino acid conservation, physicochemical variation, residue mobility, and thermodynamic stability) indicates that this missense variant is not expected to disrupt CSF3R protein function with a negative predictive value of 80%. In summary, the available evidence is currently insufficient to determine the role of this variant in disease. Therefore, it has been classified as a Variant of Uncertain Significance.

CeGaT Center for Human Genetics Tuebingen
Classification: Uncertain significance. Last evaluated: 2017-07-01. Review status: criteria provided, single submitter. Criteria: CeGaT Center For Human Genetics Tuebingen Variant Classification Criteria Version 2. Collection method: clinical testing. Allele origin: germline. Affected: yes. Observed: 1 variant allele.

NM_000760.4(CSF3R):c.1984G>A (p.Val662Ile)

Gene: CSF3R (colony stimulating factor 3 receptor; minus strand). Cytogenetic location: 1p34.3.
Variant type: single nucleotide variant.
Coding change: c.1984G>A on transcript NM_000760.4 (MANE Select); coding-DNA position 1984, G replaced by A.
Protein change: p.Val662Ile; replaces valine 662 with isoleucine.
Molecular consequence: missense variant.
Genome position (GRCh38, 1-based): chr1:36,467,286, C>T on the plus strand (G>A on the coding strand, the complement: CSF3R is on the minus strand). VCF-style: chr1-36467286-C-T. GRCh37 (hg19) VCF-style: chr1-36932887-C-T.
Other names: c.1984G>A, p.Val662Ile (LRG_144t1, NM_156039.3, NM_172313.3); short protein forms V662I.
Identifiers: ClinVar variation 493033 (VCV000493033.44), dbSNP rs1553151660, ClinGen allele CA339416602.